The following is an entry in ClinVar:

NM_001083961.2(WDR62):c.2560G>A (p.Ala854Thr)

Gene: WDR62 (WD repeat domain 62; plus strand). Cytogenetic location: 19q13.12.
Variant type: single nucleotide variant.
Coding change: c.2560G>A on transcript NM_001083961.2 (MANE Select); coding-DNA position 2560, G replaced by A.
Protein change: p.Ala854Thr; replaces alanine 854 with threonine.
Molecular consequence: missense variant.
Genome position (GRCh38, 1-based): chr19:36,099,438, G>A. VCF-style: chr19-36099438-G-A. GRCh37 (hg19) VCF-style: chr19-36590340-G-A.
Other names: c.2560G>A, p.Ala854Thr (NM_173636.5); c.2560G>A (NM_001083961.1); short protein forms A854T.
Identifiers: ClinVar variation 444461 (VCV000444461.51), dbSNP rs368030329, ClinGen allele CA9395990.

ClinVar aggregate classification (germline): Uncertain significance. Review status: criteria provided, multiple submitters, no conflicts (2 of 4 stars). 3 submissions from 3 submitters: Uncertain significance (3). Last evaluated 2025-08-22.

Conditions:
Inborn genetic diseases. Identifiers: MedGen C0950123, MeSH D030342.

Allele frequency attached by ClinVar (database versions not stated): gnomAD exomes 0.00005 and 0.00006; TOPMed 0.00005; gnomAD 0.00007; ESP Exome Variant Server 0.00008; ExAC 0.00009.
gnomAD v4.1: 84 of 1,613,566 alleles (0.0052%); highest among the groups gnomAD compares: Middle Eastern, 0.016%; no homozygotes.

Submissions (3):

Ambry Genetics
Classification: Uncertain significance for Inborn genetic diseases. Last evaluated: 2025-08-22. Review status: criteria provided, single submitter. Criteria: Ambry Variant Classification Scheme 2023. Collection method: clinical testing. Allele origin: germline.

Labcorp Genetics (formerly Invitae), Labcorp
Classification: Uncertain significance. Last evaluated: 2022-06-30. Review status: criteria provided, single submitter. Criteria: Invitae Variant Classification Sherloc (09022015). Collection method: clinical testing. Allele origin: germline.
Comment: In summary, the available evidence is currently insufficient to determine the role of this variant in disease. Therefore, it has been classified as a Variant of Uncertain Significance. Algorithms developed to predict the effect of missense changes on protein structure and function output the following: SIFT: "Tolerated"; PolyPhen-2: "Benign"; Align-GVGD: "Class C0". The threonine amino acid residue is found in multiple mammalian species, which suggests that this missense change does not adversely affect protein function. ClinVar contains an entry for this variant (Variation ID: 444461). This variant has not been reported in the literature in individuals affected with WDR62-related conditions. This variant is present in population databases (rs368030329, gnomAD 0.02%). This sequence change replaces alanine, which is neutral and non-polar, with threonine, which is neutral and polar, at codon 854 of the WDR62 protein (p.Ala854Thr).

CeGaT Center for Human Genetics Tuebingen
Classification: Uncertain significance. Last evaluated: 2019-03-01. Review status: criteria provided, single submitter. Criteria: CeGaT Center For Human Genetics Tuebingen Variant Classification Criteria Version 2. Collection method: clinical testing. Allele origin: germline. Affected: yes. Observed: 2 variant alleles.